The following is an entry in ClinVar:

ClinVar aggregate classification (germline): Uncertain significance (1 of 4 stars; one submission).

Conditions:
Episodic ataxia type 2 (EA2). Also called: ATAXIA, EPISODIC, WITH NYSTAGMUS; ATAXIA, FAMILIAL PAROXYSMAL; ACETAZOLAMIDE-RESPONSIVE HEREDITARY PAROXYSMAL CEREBELLAR ATAXIA; CEREBELLAR ATAXIA, PAROXYSMAL, ACETAZOLAMIDE-RESPONSIVE; CEREBELLOPATHY, HEREDITARY PAROXYSMAL; EPISODIC ATAXIA, NYSTAGMUS-ASSOCIATED. Identifiers: Orphanet 97, MedGen C1720416, MONDO:0007163, OMIM 108500.
Developmental and epileptic encephalopathy, 42 (DEE42A). Also called: Epileptic encephalopathy, early infantile, 42; DEVELOPMENTAL AND EPILEPTIC ENCEPHALOPATHY 42A; EPILEPTIC ENCEPHALOPATHY, EARLY INFANTILE, 42A. Identifiers: MedGen C4310716, MONDO:0014917, OMIM 617106.

Submission:

Labcorp Genetics (formerly Invitae), Labcorp
Classification: Uncertain significance for Developmental and epileptic encephalopathy, 42; Episodic ataxia type 2. Last evaluated: 2024-03-02. Review status: criteria provided, single submitter. Criteria: Invitae Variant Classification Sherloc (09022015). Collection method: clinical testing. Allele origin: germline.
Comment: This sequence change replaces methionine, which is neutral and non-polar, with leucine, which is neutral and non-polar, at codon 1811 of the CACNA1A protein (p.Met1811Leu). This variant is not present in population databases (gnomAD no frequency). This variant has not been reported in the literature in individuals affected with CACNA1A-related conditions. Advanced modeling of protein sequence and biophysical properties (such as structural, functional, and spatial information, amino acid conservation, physicochemical variation, residue mobility, and thermodynamic stability) performed at Invitae indicates that this missense variant is expected to disrupt CACNA1A protein function with a positive predictive value of 95%. In summary, the available evidence is currently insufficient to determine the role of this variant in disease. Therefore, it has been classified as a Variant of Uncertain Significance.

NM_001127222.2(CACNA1A):c.5428A>T (p.Met1810Leu)

Gene: CACNA1A (calcium voltage-gated channel subunit alpha1 A; minus strand). Cytogenetic location: 19p13.13.
Variant type: single nucleotide variant.
Coding change: c.5428A>T on transcript NM_001127222.2 (MANE Select); coding-DNA position 5428, A replaced by T.
Protein change: p.Met1810Leu; replaces methionine 1810 with leucine.
Molecular consequence: missense variant.
Genome position (GRCh38, 1-based): chr19:13,230,182, T>A on the plus strand (A>T on the coding strand, the complement: CACNA1A is on the minus strand). VCF-style: chr19-13230182-T-A. GRCh37 (hg19) VCF-style: chr19-13340996-T-A.
Other names: c.5446A>T, p.Met1816Leu (NM_000068.4, NM_023035.3); c.5431A>T, p.Met1811Leu (NM_001127221.2); c.5437A>T, p.Met1813Leu (NM_001174080.2); short protein forms M1810L, M1811L, M1813L, M1816L.
Identifiers: ClinVar variation 3754151 (VCV003754151.2).